The following is an entry in ClinVar:

NM_003177.7(SYK):c.1545T>C (p.Leu515=)

Gene: SYK (spleen associated tyrosine kinase; plus strand). Cytogenetic location: 9q22.2.
Variant type: single nucleotide variant.
Coding change: c.1545T>C on transcript NM_003177.7 (MANE Select); coding-DNA position 1545, T replaced by C.
Protein change: p.Leu515=; no amino-acid change (leucine 515 retained).
Molecular consequence: synonymous variant.
Genome position (GRCh38, 1-based): chr9:90,878,917, T>C. VCF-style: chr9-90878917-T-C. GRCh37 (hg19) VCF-style: chr9-93641199-T-C.
Other names: p.Leu515=; c.1476T>C, p.Leu492= (NM_001135052.4, NM_001174168.3); c.1545T>C, p.Leu515= (NM_001174167.3).
Identifiers: ClinVar variation 2688111 (VCV002688111.4), dbSNP rs2306040, ClinGen allele CA5119517.

ClinVar aggregate classification (germline): Benign. Review status: criteria provided, multiple submitters, no conflicts (2 of 4 stars). 3 submissions from 3 submitters: Benign (3). Last evaluated 2026-01-21.

Allele frequency attached by ClinVar (database versions not stated): ESP Exome Variant Server 0.06658; gnomAD exomes 0.07947; gnomAD 0.09046; TOPMed 0.10748; ExAC 0.10975; 1000 Genomes Project 0.13079; 1000 Genomes Project 30x 0.13101.
gnomAD v4.1: 130,144 of 1,612,422 alleles (8.1%); highest among the groups gnomAD compares: Admixed American, 33%; 8,369 homozygotes.

Submissions (3):

Women's Health and Genetics/Laboratory Corporation of America, LabCorp
Classification: Benign. Last evaluated: 2026-01-21. Review status: criteria provided, single submitter. Criteria: LabCorp Variant Classification Summary - May 2015. Collection method: clinical testing. Allele origin: germline.

Unidad de Genómica Garrahan, Hospital de Pediatría Garrahan
Classification: Benign. Last evaluated: 2024-01-24. Review status: criteria provided, single submitter. Criteria: ACMG Guidelines, 2015. Collection method: clinical testing. Allele origin: germline. Affected: no. Observed: 50 variant alleles.
Comment: This variant is classified as Benign based on local population frequency. This variant was detected in 53% of patients studied by a panel of primary immunodeficiencies. Number of patients: 50. Only high quality variants are reported.

Mayo Clinic Laboratories, Mayo Clinic
Classification: Benign. Last evaluated: 2022-09-06. Review status: criteria provided, single submitter. Criteria: ACMG Guidelines, 2015. Collection method: clinical testing. Allele origin: germline. Observed: 8 variant alleles.